The following is an entry in ClinVar:

NM_000038.6(APC):c.791A>C (p.Gln264Pro)

Gene: APC (APC regulator of Wnt signaling pathway; plus strand). Cytogenetic location: 5q22.2.
Variant type: single nucleotide variant.
Coding change: c.791A>C on transcript NM_000038.6 (MANE Select); coding-DNA position 791, A replaced by C.
Protein change: p.Gln264Pro; replaces glutamine 264 with proline.
Molecular consequence: missense variant. On other transcripts: 5 prime UTR variant (1).
Genome position (GRCh38, 1-based): chr5:112,801,340, A>C. VCF-style: chr5-112801340-A-C. GRCh37 (hg19) VCF-style: chr5-112137037-A-C.
Other names: c.791A>C, p.Gln264Pro (NM_001127510.3, NM_001354895.2, NM_001354896.2 and 1 more transcripts); c.737A>C, p.Gln246Pro (NM_001127511.3); c.821A>C, p.Gln274Pro (NM_001354897.2, NM_001354902.2); c.716A>C, p.Gln239Pro (NM_001354898.2, NM_001354904.2); c.707A>C, p.Gln236Pro (NM_001354899.2); c.614A>C, p.Gln205Pro (NM_001354900.2, NM_001354901.2, NM_001354905.2); c.-245A>C (NM_001354906.2); short protein forms Q236P, Q205P, Q239P, Q246P, Q274P, Q264P.
Identifiers: ClinVar variation 1469335 (VCV001469335.8), dbSNP rs369345931, ClinGen allele CA16023061.

ClinVar aggregate classification (germline): Uncertain significance (1 of 4 stars; one submission).

Conditions:
Familial adenomatous polyposis 1 (FAP1). Also called: FAMILIAL ADENOMATOUS POLYPOSIS 1, ATTENUATED; POLYPOSIS, ADENOMATOUS INTESTINAL. Identifiers: MedGen C2713442, MONDO:0021056, OMIM 175100. Disease mechanism: loss of function.

Submission:

Labcorp Genetics (formerly Invitae), Labcorp
Classification: Uncertain significance for Familial adenomatous polyposis 1. Last evaluated: 2021-03-26. Review status: criteria provided, single submitter. Criteria: Invitae Variant Classification Sherloc (09022015). Collection method: clinical testing. Allele origin: germline.
Comment: In summary, the available evidence is currently insufficient to determine the role of this variant in disease. Therefore, it has been classified as a Variant of Uncertain Significance. Algorithms developed to predict the effect of missense changes on protein structure and function output the following: SIFT: "Tolerated"; PolyPhen-2: "Benign"; Align-GVGD: "Class C0". The proline amino acid residue is found in multiple mammalian species, suggesting that this missense change does not adversely affect protein function. These predictions have not been confirmed by published functional studies and their clinical significance is uncertain. This variant has not been reported in the literature in individuals with APC-related conditions. This variant is not present in population databases (ExAC no frequency). This sequence change replaces glutamine with proline at codon 264 of the APC protein (p.Gln264Pro). The glutamine residue is moderately conserved and there is a moderate physicochemical difference between glutamine and proline.